The following is an entry in ClinVar:

ClinVar aggregate classification (germline): Conflicting classifications of pathogenicity. Review status: criteria provided, conflicting classifications (1 of 4 stars). 4 submissions from 4 submitters: Uncertain significance (1); Likely benign (1). 2 of the submissions do not count toward it. Last evaluated 2024-10-30.

Allele frequency attached by ClinVar (database versions not stated): gnomAD exomes 0.00032 and 0.00069; gnomAD 0.00050 and 0.00053; TOPMed 0.00052; ESP Exome Variant Server 0.00054; ExAC 0.00027.
gnomAD v4.1: 1,067 of 1,613,834 alleles (0.066%); highest among the groups gnomAD compares: Non-Finnish European, 0.086%; 1 homozygote.

Submissions (4):

Blueprint Genetics
Classification: Likely benign. Last evaluated: 2024-10-30. Review status: criteria provided, single submitter. Criteria: ACMG Guidelines, 2015. Collection method: clinical testing. Allele origin: germline.

ARUP Laboratories, Molecular Genetics and Genomics, ARUP Laboratories
Classification: Uncertain significance. Last evaluated: 2020-07-02. Review status: criteria provided, single submitter. Criteria: ARUP Molecular Germline Variant Investigation Process. Collection method: clinical testing. Allele origin: germline.
Comment: The INO80 c.2998C>T; p.Arg1000Cys variant, to our knowledge, is not reported in the medical literature or gene specific databases. This variant is found in the non-Finnish European population with an allele frequency of 0.06 % (80/129,052 alleles) in the Genome Aggregation Database. The arginine at codon 1000 is weakly conserved, and computational analyses (SIFT, PolyPhen-2) predict that this variant is tolerated. Due to limited information, the clinical significance of the p.Arg1000Cys variant is uncertain at this time.

Clinical Genetics DNA and cytogenetics Diagnostics Lab, Erasmus MC, Erasmus Medical Center
Classification: Likely benign. Review status: no assertion criteria provided. Collection method: clinical testing. Allele origin: germline. Affected: yes. Study: VKGL Data-share Consensus. Not counted in ClinVar's aggregate classification.

Genome Diagnostics Laboratory, University Medical Center Utrecht
Classification: Likely benign. Review status: no assertion criteria provided. Collection method: clinical testing. Allele origin: germline. Affected: yes. Study: VKGL Data-share Consensus. Not counted in ClinVar's aggregate classification.

NM_017553.3(INO80):c.2998C>T (p.Arg1000Cys)

Genes: INO80 (INO80 complex ATPase subunit; minus strand), INO80-AS1 (INO80 antisense RNA 1; plus strand). Cytogenetic location: 15q15.1.
Variant type: single nucleotide variant.
Coding change: c.2998C>T on transcript NM_017553.3 (MANE Select); coding-DNA position 2998, C replaced by T.
Protein change: p.Arg1000Cys; replaces arginine 1000 with cysteine.
Molecular consequence: missense variant. On other transcripts: non-coding transcript variant (2).
Genome position (GRCh38, 1-based): chr15:41,027,646, G>A on the plus strand (C>T on the coding strand, the complement: INO80 is on the minus strand). VCF-style: chr15-41027646-G-A. GRCh37 (hg19) VCF-style: chr15-41319844-G-A.
Other names: short protein forms R1000C.
Identifiers: ClinVar variation 71887 (VCV000071887.11), dbSNP rs149600837, ClinGen allele CA7488866.
Genomic context (GRCh38, chr15:41,027,646, plus strand): 5'-GAGCACTTACTCGTGGACTGGCCACACACAAAAAAGATGGCAGCTCAGTGAGCAGGCAGC[G>A]ACGCAGCGAGGAGGTAGCTGATCTCCGCTGATGGACAACCTGGTCTGAGTAGCCACTCAC-3'
Protein context (NP_060023.1, residues 990-1010): QRRSATSSLR[Arg1000Cys]CLLTELPSFL